The following is an entry in ClinVar:

ClinVar aggregate classification (germline): Uncertain significance (1 of 4 stars; one submission).

Conditions:
L-2-hydroxyglutaric aciduria (L2HGA). Identifiers: Orphanet 79314, MedGen C1855995, MONDO:0009370, OMIM 236792, HP:0040144.

Submission:

Labcorp Genetics (formerly Invitae), Labcorp
Classification: Uncertain significance for L-2-hydroxyglutaric aciduria. Last evaluated: 2025-04-08. Review status: criteria provided, single submitter. Criteria: Invitae Variant Classification Sherloc (09022015). Collection method: clinical testing. Allele origin: germline.
Comment: This sequence change replaces proline, which is neutral and non-polar, with leucine, which is neutral and non-polar, at codon 276 of the L2HGDH protein (p.Pro276Leu). This variant is not present in population databases (gnomAD no frequency). This variant has not been reported in the literature in individuals affected with L2HGDH-related conditions. Invitae Evidence Modeling of protein sequence and biophysical properties (such as structural, functional, and spatial information, amino acid conservation, physicochemical variation, residue mobility, and thermodynamic stability) indicates that this missense variant is expected to disrupt L2HGDH protein function with a positive predictive value of 95%. In summary, the available evidence is currently insufficient to determine the role of this variant in disease. Therefore, it has been classified as a Variant of Uncertain Significance.

NM_024884.3(L2HGDH):c.827C>T (p.Pro276Leu)

Gene: L2HGDH (L-2-hydroxyglutarate dehydrogenase; minus strand). Cytogenetic location: 14q21.3.
Variant type: single nucleotide variant.
Coding change: c.827C>T on transcript NM_024884.3 (MANE Select); coding-DNA position 827, C replaced by T.
Protein change: p.Pro276Leu; replaces proline 276 with leucine.
Molecular consequence: missense variant.
Genome position (GRCh38, 1-based): chr14:50,269,242, G>A on the plus strand (C>T on the coding strand, the complement: L2HGDH is on the minus strand). VCF-style: chr14-50269242-G-A. GRCh37 (hg19) VCF-style: chr14-50735960-G-A.
Other names: c.827C>T, p.Pro276Leu (NM_001425212.1); c.716C>T, p.Pro239Leu (NM_001425213.1, NM_001425214.1); c.281C>T, p.Pro94Leu (NM_001425215.1, NM_001425216.1, NM_001425217.1 and 1 more transcripts); short protein forms P94L, P239L, P276L.
Identifiers: ClinVar variation 4709961 (VCV004709961.1).